The following is an entry in ClinVar:

NM_025114.4(CEP290):c.3948C>T (p.Asn1316=)

Gene: CEP290 (centrosomal protein 290; minus strand). Cytogenetic location: 12q21.32.
Variant type: single nucleotide variant.
Coding change: c.3948C>T on transcript NM_025114.4 (MANE Select); coding-DNA position 3948, C replaced by T.
Protein change: p.Asn1316=; no amino-acid change (asparagine 1316 retained).
Molecular consequence: synonymous variant.
Genome position (GRCh38, 1-based): chr12:88,089,113, G>A on the plus strand (C>T on the coding strand, the complement: CEP290 is on the minus strand). VCF-style: chr12-88089113-G-A. GRCh37 (hg19) VCF-style: chr12-88482890-G-A.
Other names: c.3948C>T (NM_025114.3).
Identifiers: ClinVar variation 991337 (VCV000991337.11), dbSNP rs1361449401, ClinGen allele CA481304017.

ClinVar aggregate classification (germline): Likely benign. Review status: criteria provided, single submitter (1 of 4 stars). 3 submissions from 3 submitters: Likely benign (1). 2 of the submissions do not count toward it. Last evaluated 2023-12-23.

Conditions:
Meckel-Gruber syndrome. Also called: Dysencephalia splachnocystica; DYSENCEPHALIA SPLANCHNOCYSTICA; GRUBER SYNDROME. Identifiers: Orphanet 564, MedGen C0265215, MONDO:0018921.
Nephronophthisis. Also called: Juvenile Nephronophthisis. Identifiers: Orphanet 655, MedGen C0687120, MONDO:0019005, HP:0000090.
Joubert syndrome. Also called: Familial aplasia of the vermis; CEREBELLOPARENCHYMAL DISORDER IV; JOUBERT-BOLTSHAUSER SYNDROME. Identifiers: Orphanet 475, MedGen C5979921, MONDO:0018772.
CEP290-related disorder. Also called: CEP290-related condition; CEP290-related disorders. Identifiers: MedGen CN239314.
Leber congenital amaurosis (LCA). Also called: Leber's amaurosis. Identifiers: Orphanet 65, MedGen C0339527, MeSH D057130, MONDO:0018998.

Allele frequency attached by ClinVar (database versions not stated): TOPMed 0.00002.
gnomAD v4.1: 5 of 1,573,204 alleles (0.00032%); highest among the groups gnomAD compares: African/African-American, 0.0069%; no homozygotes.

Submissions (3):

Labcorp Genetics (formerly Invitae), Labcorp
Classification: Likely benign for Joubert syndrome; Meckel-Gruber syndrome; Nephronophthisis. Last evaluated: 2023-12-23. Review status: criteria provided, single submitter. Criteria: Invitae Variant Classification Sherloc (09022015). Collection method: clinical testing. Allele origin: germline.

PreventionGenetics, part of Exact Sciences
Classification: Likely benign for CEP290-related condition. Last evaluated: 2024-05-22. Review status: no assertion criteria provided. Collection method: clinical testing. Allele origin: germline. Not counted in ClinVar's aggregate classification.
Comment: This variant is classified as likely benign based on ACMG/AMP sequence variant interpretation guidelines (Richards et al. 2015 PMID: 25741868, with internal and published modifications).

Natera, Inc.
Classification: Uncertain significance for Leber congenital amaurosis. Last evaluated: 2020-08-14. Review status: no assertion criteria provided. Collection method: clinical testing. Allele origin: germline. Not counted in ClinVar's aggregate classification.